The following is an entry in ClinVar:

ClinVar aggregate classification (germline): Uncertain significance (1 of 4 stars; one submission).

Allele frequency attached by ClinVar (database versions not stated): ExAC 0.00001; gnomAD 0.00001; gnomAD exomes 0.00002.
gnomAD v4.1: 36 of 1,613,068 alleles (0.0022%); highest among the groups gnomAD compares: South Asian, 0.0077%; no homozygotes.

Submission:

Labcorp Genetics (formerly Invitae), Labcorp
Classification: Uncertain significance. Last evaluated: 2023-08-10. Review status: criteria provided, single submitter. Criteria: Invitae Variant Classification Sherloc (09022015). Collection method: clinical testing. Allele origin: germline.
Comment: In summary, the available evidence is currently insufficient to determine the role of this variant in disease. Therefore, it has been classified as a Variant of Uncertain Significance. Advanced modeling of protein sequence and biophysical properties (such as structural, functional, and spatial information, amino acid conservation, physicochemical variation, residue mobility, and thermodynamic stability) performed at Invitae indicates that this missense variant is not expected to disrupt KMT2A protein function. ClinVar contains an entry for this variant (Variation ID: 2186360). This variant has not been reported in the literature in individuals affected with KMT2A-related conditions. This variant is present in population databases (rs782279632, gnomAD 0.006%). This sequence change replaces arginine, which is basic and polar, with glutamine, which is neutral and polar, at codon 160 of the KMT2A protein (p.Arg160Gln).

NM_001197104.2(KMT2A):c.479G>A (p.Arg160Gln)

Gene: KMT2A (lysine methyltransferase 2A; plus strand). Cytogenetic location: 11q23.3.
Variant type: single nucleotide variant.
Coding change: c.479G>A on transcript NM_001197104.2 (MANE Select); coding-DNA position 479, G replaced by A.
Protein change: p.Arg160Gln; replaces arginine 160 with glutamine.
Molecular consequence: missense variant.
Genome position (GRCh38, 1-based): chr11:118,468,821, G>A. VCF-style: chr11-118468821-G-A. GRCh37 (hg19) VCF-style: chr11-118339536-G-A.
Other names: c.578G>A, p.Arg193Gln (NM_001412597.1); c.479G>A, p.Arg160Gln (NM_005933.4); short protein forms R160Q, R193Q.
Identifiers: ClinVar variation 2186360 (VCV002186360.4), dbSNP rs782279632, ClinGen allele CA6303298.
Genomic context (GRCh38, chr11:118,468,821, plus strand): 5'-TTCCTTTGTTGTAGGATGAGCAATTCTTAGGTTTTGGCTCAGATGAAGAAGTCAGAGTGC[G>A]AAGTCCCACAAGGTCTCCTTCAGGTACGGCCAATTAAGTGCATGGTGCCTTTTAAGTTTT-3'
Protein context (NP_001184033.1, residues 150-170): GFGSDEEVRV[Arg160Gln]SPTRSPSVKT